The following is an entry in ClinVar:

NM_018993.4(RIN2):c.660_671dup (p.Pro225_Pro226insAsnLeuProPro)

Gene: RIN2 (Ras and Rab interactor 2; plus strand). Cytogenetic location: 20p11.23.
Variant type: Duplication.
Coding change: c.660_671dup on transcript NM_018993.4 (MANE Select); coding-DNA positions 660 to 671, 12 bases duplicated (CCCGAACCTTCC).
Protein change: p.Pro225_Pro226insAsnLeuProPro.
Molecular consequence: inframe insertion.
Genome position (GRCh38, 1-based): chr20:19,974,685-19,974,696, CCCGAACCTTCC duplicated; duplicating any 12 consecutive bases within chr20:19,974,683-19,974,696 gives the same sequence; the c. name uses the placement nearest the transcript's 3' end. VCF-style (leftmost placement, unchanged base first): chr20-19974682-A-ACCCCCGAACCTT. GRCh37 (hg19) VCF-style: chr20-19955326-A-ACCCCCGAACCTT.
Other names: c.807_818dup, p.Pro274_Pro275insAsnLeuProPro (NM_001242581.2); c.42_53dup, p.Pro19_Pro20insAsnLeuProPro (NM_001378238.1).
Identifiers: ClinVar variation 2017159 (VCV002017159.4), dbSNP rs2515504374, ClinGen allele CA2580098035.

ClinVar aggregate classification (germline): Uncertain significance (1 of 4 stars; one submission).

Submission:

Labcorp Genetics (formerly Invitae), Labcorp
Classification: Uncertain significance. Last evaluated: 2022-07-29. Review status: criteria provided, single submitter. Criteria: Invitae Variant Classification Sherloc (09022015). Collection method: clinical testing. Allele origin: germline.
Comment: In summary, the available evidence is currently insufficient to determine the role of this variant in disease. Therefore, it has been classified as a Variant of Uncertain Significance. Algorithms developed to predict the effect of sequence changes on RNA splicing suggest that this variant may disrupt the consensus splice site. This variant has not been reported in the literature in individuals affected with RIN2-related conditions. This variant is not present in population databases (gnomAD no frequency). This variant, c.660_671dup, results in the insertion of 4 amino acid(s) of the RIN2 protein (p.Asn222_Pro225dup), but otherwise preserves the integrity of the reading frame.